The following is an entry in ClinVar:

ClinVar aggregate classification (germline): Uncertain significance (1 of 4 stars; one submission).

Submission:

Labcorp Genetics (formerly Invitae), Labcorp
Classification: Uncertain significance. Last evaluated: 2022-04-29. Review status: criteria provided, single submitter. Criteria: Invitae Variant Classification Sherloc (09022015). Collection method: clinical testing. Allele origin: germline.
Comment: This sequence change falls in intron 18 of the NTRK2 gene. It does not directly change the encoded amino acid sequence of the NTRK2 protein. It affects a nucleotide within the consensus splice site. This variant is not present in population databases (gnomAD no frequency). In summary, the available evidence is currently insufficient to determine the role of this variant in disease. Therefore, it has been classified as a Variant of Uncertain Significance. Variants that disrupt the consensus splice site are a relatively common cause of aberrant splicing (PMID: 17576681, 9536098). Algorithms developed to predict the effect of sequence changes on RNA splicing suggest that this variant is not likely to affect RNA splicing. This variant has not been reported in the literature in individuals affected with NTRK2-related conditions.

Literature cited by the submitters: PubMed 17576681; PubMed 9536098.

NM_006180.6(NTRK2):c.1937+6G>A

Gene: NTRK2 (neurotrophic receptor tyrosine kinase 2; plus strand). Cytogenetic location: 9q21.33.
Variant type: single nucleotide variant.
Coding change: c.1937+6G>A on transcript NM_006180.6 (MANE Select); 6 bases into the intron after coding-DNA position 1937, G replaced by A.
Molecular consequence: intron variant.
Genome position (GRCh38, 1-based): chr9:84,948,640, G>A. VCF-style: chr9-84948640-G-A. GRCh37 (hg19) VCF-style: chr9-87563555-G-A.
Other names: c.1889+6G>A (NM_001369532.1, NM_001369533.1, NM_001018064.3); c.1853+6G>A (NM_001369534.1); c.1469+6G>A (NM_001369536.1); c.1421+6G>A (NM_001369535.1).
Identifiers: ClinVar variation 2131777 (VCV002131777.4), dbSNP rs2132887551, ClinGen allele CA2580080630.